The following is an entry in ClinVar:

NM_006031.6(PCNT):c.6469G>A (p.Gly2157Arg)

Gene: PCNT (pericentrin; plus strand). Cytogenetic location: 21q22.3.
Variant type: single nucleotide variant.
Coding change: c.6469G>A on transcript NM_006031.6 (MANE Select); coding-DNA position 6469, G replaced by A.
Protein change: p.Gly2157Arg; replaces glycine 2157 with arginine.
Molecular consequence: missense variant.
Genome position (GRCh38, 1-based): chr21:46,416,387, G>A. VCF-style: chr21-46416387-G-A. GRCh37 (hg19) VCF-style: chr21-47836301-G-A.
Other names: c.6115G>A, p.Gly2039Arg (NM_001315529.2); short protein forms G2157R, G2039R.
Identifiers: ClinVar variation 4979103 (VCV004979103.1).
Genomic context (GRCh38, chr21:46,416,387, plus strand): 5'-GGTGTAACTGATGTTATCAAAAATCAGGCCATAGACGCGTGTGATGCCAATACAACCCCA[G>A]GGGGTGTAACTGATGTTATCAAAAATTGGGATTCCTTGATACCAGATGAAATGCCAGATT-3'
Protein context (NP_006022.3, residues 2147-2167): IDACDANTTP[Gly2157Arg]GVTDVIKNWD

ClinVar aggregate classification (germline): Uncertain significance (1 of 4 stars; one submission).

Conditions:
PCNT-related disorder. Also called: PCNT-related condition.

gnomAD v4.1: 8 of 1,614,156 alleles (0.0005%); highest among the groups gnomAD compares: Non-Finnish European, 0.00059%; no homozygotes.

Submission:

PreventionGenetics, part of Exact Sciences
Classification: Uncertain significance for PCNT-related condition. Last evaluated: 2025-11-21. Review status: criteria provided, single submitter. Criteria: ACMG Guidelines, 2015. Collection method: clinical testing. Allele origin: germline.
Comment: The PCNT c.6469G>A variant is predicted to result in the amino acid substitution p.Gly2157Arg. To our knowledge, this variant has not been reported in the literature. This variant is reported in 0.0018% of alleles in individuals of European (Non-Finnish) descent in gnomAD. At this time, the clinical significance of this variant is uncertain due to the absence of conclusive functional and genetic evidence.